The following is an entry in ClinVar:

ClinVar aggregate classification (germline): Uncertain significance (1 of 4 stars; one submission).

Submission:

GeneDx
Classification: Uncertain significance. Last evaluated: 2026-01-30. Review status: criteria provided, single submitter. Criteria: GeneDx Variant Classification Process June 2021. Collection method: clinical testing. Allele origin: germline.
Comment: Not observed at significant frequency in large population cohorts (gnomAD); In silico analysis supports that this missense variant has a deleterious effect on protein structure/function; Has not been previously published as pathogenic or benign to our knowledge

NM_002742.3(PRKD1):c.392T>C (p.Val131Ala)

Gene: PRKD1 (protein kinase D1; minus strand). Cytogenetic location: 14q12.
Variant type: single nucleotide variant.
Coding change: c.392T>C on transcript NM_002742.3 (MANE Select); coding-DNA position 392, T replaced by C.
Protein change: p.Val131Ala; replaces valine 131 with alanine.
Molecular consequence: missense variant.
Genome position (GRCh38, 1-based): chr14:29,725,547, A>G on the plus strand (T>C on the coding strand, the complement: PRKD1 is on the minus strand). VCF-style: chr14-29725547-A-G. GRCh37 (hg19) VCF-style: chr14-30194753-A-G.
Other names: c.392T>C, p.Val131Ala (NM_001330069.2); c.104T>C, p.Val35Ala (NM_001348390.1); short protein forms V131A, V35A.
Identifiers: ClinVar variation 4975682 (VCV004975682.1).
Genomic context (GRCh38, chr14:29,725,547, plus strand): 5'-AATACAACTTCTAATCTACGGATAAAGAAAAGGTATAAAAGTATACTACCTGACAAGACC[A>G]CTTCAATAAGATCGCCTTCCTGGATATCACTGGCCGCTTTCACCAGCTGAAGGATGTTTT-3'
Protein context (NP_002733.2, residues 121-141): SDIQEGDLIE[Val131Ala]VLSASATFED